The following is an entry in ClinVar:

ClinVar aggregate classification (germline): Uncertain significance. Review status: criteria provided, multiple submitters, no conflicts (2 of 4 stars). 2 submissions from 2 submitters: Uncertain significance (2). Last evaluated 2025-09-21.

Conditions:
Atrioventricular septal defect 4 (AVSD4). Identifiers: MedGen C3280781, MONDO:0013747, OMIM 614430.
Cardiovascular phenotype. Identifiers: MedGen CN230736.

gnomAD v4.1: 3 of 1,614,192 alleles (0.00019%); highest among the groups gnomAD compares: Non-Finnish European, 0.00025%; no homozygotes.

Submissions (2):

Ambry Genetics
Classification: Uncertain significance for Cardiovascular phenotype. Last evaluated: 2025-09-21. Review status: criteria provided, single submitter. Criteria: Ambry Variant Classification Scheme 2023. Collection method: clinical testing. Allele origin: germline.
Comment: The p.D210Y variant (also known as c.628G>T), located in coding exon 2 of the GATA4 gene, results from a G to T substitution at nucleotide position 628. The aspartic acid at codon 210 is replaced by tyrosine, an amino acid with highly dissimilar properties. This amino acid position is highly conserved in available vertebrate species. In addition, this alteration is predicted to be deleterious by in silico analysis. Since supporting evidence is limited at this time, the clinical significance of this alteration remains unclear.

Labcorp Genetics (formerly Invitae), Labcorp
Classification: Uncertain significance for Atrioventricular septal defect 4. Last evaluated: 2023-12-11. Review status: criteria provided, single submitter. Criteria: Invitae Variant Classification Sherloc (09022015). Collection method: clinical testing. Allele origin: germline.
Comment: This sequence change replaces aspartic acid, which is acidic and polar, with tyrosine, which is neutral and polar, at codon 210 of the GATA4 protein (p.Asp210Tyr). This variant is not present in population databases (gnomAD no frequency). This variant has not been reported in the literature in individuals affected with GATA4-related conditions. ClinVar contains an entry for this variant (Variation ID: 264472). Advanced modeling of protein sequence and biophysical properties (such as structural, functional, and spatial information, amino acid conservation, physicochemical variation, residue mobility, and thermodynamic stability) performed at Invitae indicates that this missense variant is not expected to disrupt GATA4 protein function with a negative predictive value of 80%. In summary, the available evidence is currently insufficient to determine the role of this variant in disease. Therefore, it has been classified as a Variant of Uncertain Significance.

Literature cited by the submitters: PubMed 23626780 (cited by Ambry Genetics).

NM_001308093.3(GATA4):c.631G>T (p.Asp211Tyr)

Gene: GATA4 (GATA binding protein 4). Cytogenetic location: 8p23.1.
Variant type: single nucleotide variant.
Coding change: c.631G>T on transcript NM_001308093.3 (MANE Select); coding-DNA position 631, G replaced by T.
Protein change: p.Asp211Tyr; replaces aspartic acid 211 with tyrosine.
Molecular consequence: missense variant.
Genome position (GRCh38, 1-based): chr8:11,748,930, G>T. VCF-style: chr8-11748930-G-T. GRCh37 (hg19) VCF-style: chr8-11606439-G-T.
Other names: c.10G>T, p.Asp4Tyr (NM_001308094.2, NM_001374273.1, NM_001374274.1); c.628G>T, p.Asp210Tyr (NM_002052.5); short protein forms D210Y, D211Y, D4Y.
Identifiers: ClinVar variation 264472 (VCV000264472.10), dbSNP rs377673676, ClinGen allele CA10587660.